The following is an entry in ClinVar:

ClinVar aggregate classification (germline): Uncertain significance. Review status: criteria provided, multiple submitters, no conflicts (2 of 4 stars). 2 submissions from 2 submitters: Uncertain significance (2). Last evaluated 2025-09-16.

Conditions:
Hereditary cancer-predisposing syndrome. Also called: Hereditary neoplastic syndrome; Hereditary Cancer Syndrome; Neoplastic Syndromes, Hereditary; Tumor predisposition. Identifiers: Orphanet 140162, MedGen C0027672, MeSH D009386, MONDO:0015356.
Cardiovascular phenotype. Identifiers: MedGen CN230736.
Neurofibromatosis, type 1 (NF1). Also called: Peripheral type neurofibromatosis; VON RECKLINGHAUSEN DISEASE; Neurofibromatosis, type I; NEUROFIBROMATOSIS, TYPE I, SOMATIC. Identifiers: Orphanet 636, MedGen C0027831, MONDO:0018975, OMIM 162200. Disease mechanism: loss of function.

gnomAD v4.1: 2 of 1,613,698 alleles (0.00012%); highest among the groups gnomAD compares: East Asian, 0.0045%; no homozygotes.

Submissions (2):

Ambry Genetics
Classification: Uncertain significance for Cardiovascular phenotype; Hereditary cancer-predisposing syndrome. Last evaluated: 2025-09-16. Review status: criteria provided, single submitter. Criteria: Ambry Variant Classification Scheme 2023. Collection method: clinical testing. Allele origin: germline.
Comment: The p.M2192I variant (also known as c.6576G>T), located in coding exon 42 of the NF1 gene, results from a G to T substitution at nucleotide position 6576. The methionine at codon 2192 is replaced by isoleucine, an amino acid with highly similar properties. This amino acid position is conserved. In addition, the in silico prediction for this alteration is inconclusive. Based on the available evidence, the clinical significance of this variant remains unclear.

Labcorp Genetics (formerly Invitae), Labcorp
Classification: Uncertain significance for Neurofibromatosis, type 1. Last evaluated: 2025-03-11. Review status: criteria provided, single submitter. Criteria: Invitae Variant Classification Sherloc (09022015). Collection method: clinical testing. Allele origin: germline.
Comment: This sequence change replaces methionine, which is neutral and non-polar, with isoleucine, which is neutral and non-polar, at codon 2192 of the NF1 protein (p.Met2192Ile). This variant is present in population databases (rs569453543, gnomAD 0.006%). This variant has not been reported in the literature in individuals affected with NF1-related conditions. Invitae Evidence Modeling of protein sequence and biophysical properties (such as structural, functional, and spatial information, amino acid conservation, physicochemical variation, residue mobility, and thermodynamic stability) has been performed for this missense variant. However, the output from this modeling did not meet the statistical confidence thresholds required to predict the impact of this variant on NF1 protein function. In summary, the available evidence is currently insufficient to determine the role of this variant in disease. Therefore, it has been classified as a Variant of Uncertain Significance.

NM_001042492.3(NF1):c.6639G>T (p.Met2213Ile)

Gene: NF1 (neurofibromin 1; plus strand). Cytogenetic location: 17q11.2.
Variant type: single nucleotide variant.
Coding change: c.6639G>T on transcript NM_001042492.3 (MANE Select); coding-DNA position 6639, G replaced by T.
Protein change: p.Met2213Ile; replaces methionine 2213 with isoleucine.
Molecular consequence: missense variant.
Genome position (GRCh38, 1-based): chr17:31,337,579, G>T. VCF-style: chr17-31337579-G-T. GRCh37 (hg19) VCF-style: chr17-29664597-G-T.
Other names: c.6576G>T, p.Met2192Ile (NM_000267.4); short protein forms M2192I, M2213I.
Identifiers: ClinVar variation 4615715 (VCV004615715.2).